The following is an entry in ClinVar:

NM_001127208.3(TET2):c.1326C>G (p.Asn442Lys)

Genes: TET2 (tet methylcytosine dioxygenase 2; plus strand), TET2-AS1 (TET2 antisense RNA 1; minus strand). Cytogenetic location: 4q24.
Variant type: single nucleotide variant.
Coding change: c.1326C>G on transcript NM_001127208.3 (MANE Select); coding-DNA position 1326, C replaced by G.
Protein change: p.Asn442Lys; replaces asparagine 442 with lysine.
Molecular consequence: missense variant.
Genome position (GRCh38, 1-based): chr4:105,235,268, C>G. VCF-style: chr4-105235268-C-G. GRCh37 (hg19) VCF-style: chr4-106156425-C-G.
Other names: c.1326C>G, p.Asn442Lys (NM_017628.4); short protein forms N442K.
Identifiers: ClinVar variation 5030771 (VCV005030771.1).

ClinVar aggregate classification (germline): Uncertain significance (1 of 4 stars; one submission).

Submission:

Ambry Genetics
Classification: Uncertain significance. Last evaluated: 2026-08-29. Review status: criteria provided, single submitter. Criteria: Ambry Variant Classification Scheme 2023. Collection method: clinical testing. Allele origin: germline.
Comment: The p.N442K variant (also known as c.1326C>G), located in coding exon 1 of the TET2 gene, results from a C to G substitution at nucleotide position 1326. The asparagine at codon 442 is replaced by lysine, an amino acid with similar properties. This amino acid position is conserved. In addition, this alteration is predicted to be tolerated by in silico analysis. Based on the available evidence, the clinical significance of this variant remains unclear.